The following is an entry in ClinVar:

NM_006914.4(RORB):c.1121G>C (p.Trp374Ser)

Gene: RORB (RAR related orphan receptor B; plus strand). Cytogenetic location: 9q21.13.
Variant type: single nucleotide variant.
Coding change: c.1121G>C on transcript NM_006914.4 (MANE Select); coding-DNA position 1121, G replaced by C.
Protein change: p.Trp374Ser; replaces tryptophan 374 with serine.
Molecular consequence: missense variant.
Genome position (GRCh38, 1-based): chr9:74,671,798, G>C. VCF-style: chr9-74671798-G-C. GRCh37 (hg19) VCF-style: chr9-77286714-G-C.
Other names: c.1154G>C, p.Trp385Ser (NM_001365023.1); c.1121G>C (NM_006914.3); short protein forms W374S, W385S.
Identifiers: ClinVar variation 3698255 (VCV003698255.4).

ClinVar aggregate classification (germline): Uncertain significance. Review status: criteria provided, multiple submitters, no conflicts (2 of 4 stars). 2 submissions from 2 submitters: Uncertain significance (2). Last evaluated 2026-04-15.

gnomAD v4.1: 2 of 1,609,992 alleles (0.00012%); highest among the groups gnomAD compares: South Asian, 0.0022%; no homozygotes.

Submissions (2):

GeneDx
Classification: Uncertain significance. Last evaluated: 2026-04-15. Review status: criteria provided, single submitter. Criteria: GeneDx Variant Classification Process June 2021. Collection method: clinical testing. Allele origin: germline.
Comment: Not observed at significant frequency in large population cohorts (gnomAD); In silico analysis supports that this missense variant has a deleterious effect on protein structure/function; Has not been previously published as pathogenic or benign to our knowledge

Labcorp Genetics (formerly Invitae), Labcorp
Classification: Uncertain significance. Last evaluated: 2025-02-20. Review status: criteria provided, single submitter. Criteria: Invitae Variant Classification Sherloc (09022015). Collection method: clinical testing. Allele origin: germline.
Comment: This sequence change replaces tryptophan, which is neutral and slightly polar, with serine, which is neutral and polar, at codon 374 of the RORB protein (p.Trp374Ser). This variant is not present in population databases (gnomAD no frequency). This variant has not been reported in the literature in individuals affected with RORB-related conditions. An algorithm developed to predict the effect of missense changes on protein structure and function (PolyPhen-2) suggests that this variant is likely to be tolerated. In summary, the available evidence is currently insufficient to determine the role of this variant in disease. Therefore, it has been classified as a Variant of Uncertain Significance.